The following is an entry in ClinVar:

ClinVar aggregate classification (germline): Pathogenic. Review status: criteria provided, multiple submitters, no conflicts (2 of 4 stars). 9 submissions from 8 submitters: Pathogenic (3). 6 of the submissions do not count toward it. Last evaluated 2023-12-08.

Conditions:
Distal spinal muscular atrophy. Also called: Distal hereditary motor neuronopathy; Distal hereditary motor neuropathy. Identifiers: Orphanet 53739, MedGen C0393541, MONDO:0018894.
Charcot-Marie-Tooth disease. Also called: Charcot-Marie-Tooth Neuropathy; Charcot-Marie-Tooth Hereditary Neuropathy. Identifiers: Orphanet 166, MedGen C0007959, MONDO:0015626.
Charcot-Marie-Tooth disease type 2. Also called: Charcot-Marie-Tooth type 2. Identifiers: Orphanet 64746, MedGen C0270914, MONDO:0018993.
Charcot-Marie-Tooth disease type 2D (CMT2D). Also called: CHARCOT-MARIE-TOOTH DISEASE, AXONAL, TYPE 2D; CHARCOT-MARIE-TOOTH DISEASE, NEURONAL, TYPE 2D; Charcot-Marie-Tooth Neuropathy Type 2D; GARS1 Adolescent- or Early Adult-Onset Hereditary Motor/Sensory Neuropathy (GARS1-HMSN). Identifiers: Orphanet 99938, MedGen C1832274, MONDO:0011091, OMIM 601472.
Neuronopathy, distal hereditary motor, type 5A (HMND5). Also called: DHMN VA; Distal Spinal Muscular Atrophy V; NEURONOPATHY, DISTAL HEREDITARY MOTOR, AUTOSOMAL DOMINANT 5; Distal Spinal Muscular Atrophy V (dSMA-V). Identifiers: Orphanet 139536, MedGen CN031873, MONDO:0015353, OMIM 600794.

Allele frequency attached by ClinVar (database versions not stated): gnomAD exomes below 0.00001.
gnomAD v4.1: 1 of 1,614,198 alleles (0.000062%); highest among the groups gnomAD compares: Non-Finnish European, 0.000085%; no homozygotes.

Submissions (9):

Labcorp Genetics (formerly Invitae), Labcorp
Classification: Pathogenic for Charcot-Marie-Tooth disease type 2. Last evaluated: 2023-12-08. Review status: criteria provided, single submitter. Criteria: Invitae Variant Classification Sherloc (09022015). Collection method: clinical testing. Allele origin: germline.
Comment: This sequence change replaces histidine, which is basic and polar, with arginine, which is basic and polar, at codon 472 of the GARS protein (p.His472Arg). This variant is not present in population databases (gnomAD no frequency). This missense change has been observed in individual(s) with peripheral neuropathy (PMID: 16014653, 24627108). It has also been observed to segregate with disease in related individuals. ClinVar contains an entry for this variant (Variation ID: 410314). Advanced modeling of protein sequence and biophysical properties (such as structural, functional, and spatial information, amino acid conservation, physicochemical variation, residue mobility, and thermodynamic stability) has been performed at Invitae for this missense variant, however the output from this modeling did not meet the statistical confidence thresholds required to predict the impact of this variant on GARS protein function. Experimental studies have shown that this missense change affects GARS function (PMID: 25168514). For these reasons, this variant has been classified as Pathogenic.

Ambry Genetics
Classification: Pathogenic. Last evaluated: 2019-11-13. Review status: criteria provided, single submitter. Criteria: Ambry Variant Classification Scheme 2023. Collection method: clinical testing. Allele origin: germline.
Comment: The p.H472R variant (also known as c.1415A>G), located in coding exon 11 of the GARS gene, results from an A to G substitution at nucleotide position 1415. The histidine at codon 472 is replaced by arginine, an amino acid with highly similar properties. This variant (also referred to as p.H418R) has been reported in multiple patients with distal hereditary motor neuropathy (also called distal spinal muscular atrophy) and has been shown to segregate with disease (Sivakumar K et al. Brain, 2005 Oct;128:2304-14; Schabh&uuml;ttl M et al. J. Neurol., 2014 May;261:970-82; Karakaya M et al. Hum. Mutat., 2018 09;39:1284-1298). Functional studies of this alteration demonstrate reduced aminoacylation activity, substantial reductions in yeast viability, and altered cellular localization in transfected mouse motor neuron cell lines (Griffin LB et al. Hum. Mutat., 2014 Nov;35:1363-71; Antonellis A et al. J. Neurosci., 2006 Oct;26:10397-406). In addition to the clinical data presented in the literature, this alteration is absent in population-based cohorts in the Genome Aggregation Database (gnomAD) and predicted to be deleterious by in silico analysis. Based on the supporting evidence, this alteration is interpreted as a disease-causing mutation.

Cambridge Genomics Laboratory, East Genomic Laboratory Hub, NHS Genomic Medicine Service
Classification: Pathogenic for Charcot-Marie-Tooth disease. Last evaluated: 2018-09-20. Review status: criteria provided, single submitter. Criteria: ACGS Best Practice Guidelines for Variant Classification in Rare Disease 2020. Collection method: clinical testing. Allele origin: germline. Affected: yes. Observed: 1 variant allele.

Inherited Neuropathy Consortium Ii, University Of Miami
Classification: Uncertain significance for Charcot-Marie-Tooth disease type 2D. Last evaluated: 2019-04-20. Review status: no assertion criteria provided. Collection method: literature only. Allele origin: germline. Affected: yes. Not counted in ClinVar's aggregate classification.

Institute of Human Genetics, Cologne University
Classification: Pathogenic for Neuronopathy, distal hereditary motor, type 5A. Last evaluated: 2018-04-25. Review status: no assertion criteria provided. Collection method: clinical testing. Allele origin: unknown. Affected: yes. Not counted in ClinVar's aggregate classification.

OMIM
Classification: Pathogenic for NEURONOPATHY, DISTAL HEREDITARY MOTOR, AUTOSOMAL DOMINANT 5. Last evaluated: 2014-11-01. Review status: no assertion criteria provided. Collection method: literature only. Allele origin: germline. Not counted in ClinVar's aggregate classification.

GeneReviews
No classification provided. Condition: Charcot-Marie-Tooth disease type 2D. Review status: no classification provided. Collection method: literature only. Allele origin: germline. Not counted in ClinVar's aggregate classification.
Comment: GARS1-HMSN (exclusively dSMA-V) [Sivakumar et al 2005, Griffin et al 2014, Cortese et al 2020, Lin et al 2020]

Inherited Neuropathy Consortium
Classification: Uncertain significance for Charcot-Marie-Tooth disease. Review status: no assertion criteria provided. Collection method: literature only. Allele origin: germline. Affected: yes. Not counted in ClinVar's aggregate classification.

Inherited Neuropathy Consortium
Classification: Uncertain significance for Distal spinal muscular atrophy. Review status: no assertion criteria provided. Collection method: literature only. Allele origin: germline. Affected: yes. Not counted in ClinVar's aggregate classification.

Literature cited by the submitters: PubMed 16014653 (cited by 5 submitters); PubMed 24627108 (cited by Labcorp Genetics (formerly Invitae), Labcorp and Ambry Genetics); PubMed 25168514 (cited by 4 submitters); PubMed 17035524 (cited by Ambry Genetics); PubMed 29858556 (cited by Ambry Genetics); PubMed 31985473 (cited by OMIM); PubMed 31827005 (cited by GeneReviews); PubMed 31832804 (cited by GeneReviews); PubMed 20301420 (cited by GeneReviews).

NM_002047.4(GARS1):c.1415A>G (p.His472Arg)

Gene: GARS1 (glycyl-tRNA synthetase 1; plus strand). Cytogenetic location: 7p14.3.
Variant type: single nucleotide variant.
Coding change: c.1415A>G on transcript NM_002047.4 (MANE Select); coding-DNA position 1415, A replaced by G.
Protein change: p.His472Arg; replaces histidine 472 with arginine.
Molecular consequence: missense variant.
Genome position (GRCh38, 1-based): chr7:30,621,448, A>G. VCF-style: chr7-30621448-A-G. GRCh37 (hg19) VCF-style: chr7-30661064-A-G.
Other names: c.1253A>G, p.His418Arg (NM_001316772.1); short protein forms H472R, H418R.
Identifiers: ClinVar variation 410314 (VCV000410314.22), dbSNP rs1060502838, ClinGen allele CA16612091.